The following is an entry in ClinVar:

NM_001164.5(APBB1):c.369A>C (p.Ser123=)

Gene: APBB1 (amyloid beta precursor protein binding family B member 1; minus strand). Cytogenetic location: 11p15.4.
Variant type: single nucleotide variant.
Coding change: c.369A>C on transcript NM_001164.5 (MANE Select); coding-DNA position 369, A replaced by C.
Protein change: p.Ser123=; no amino-acid change (serine 123 retained).
Molecular consequence: synonymous variant. On other transcripts: non-coding transcript variant (1).
Genome position (GRCh38, 1-based): chr11:6,410,979, T>G on the plus strand (A>C on the coding strand, the complement: APBB1 is on the minus strand). VCF-style: chr11-6410979-T-G. GRCh37 (hg19) VCF-style: chr11-6432209-T-G.
Other names: c.369A>C, p.Ser123= (NM_145689.3).
Identifiers: ClinVar variation 3046282 (VCV003046282.2), dbSNP rs1848948767, ClinGen allele CA472911217.

ClinVar aggregate classification (germline): Likely benign (0 of 4 stars; one submission).

Conditions:
APBB1-related disorder. Also called: APBB1-related condition.

Allele frequency attached by ClinVar (database versions not stated): gnomAD exomes below 0.00001.
gnomAD v4.1: 2 of 1,614,212 alleles (0.00012%); highest among the groups gnomAD compares: Non-Finnish European, 0.00017%; no homozygotes.

Submission:

PreventionGenetics, part of Exact Sciences
Classification: Likely benign for APBB1-related condition. Last evaluated: 2024-02-21. Review status: no assertion criteria provided. Collection method: clinical testing. Allele origin: germline.
Comment: This variant is classified as likely benign based on ACMG/AMP sequence variant interpretation guidelines (Richards et al. 2015 PMID: 25741868, with internal and published modifications).